The following is an entry in ClinVar:

ClinVar aggregate classification (germline): Uncertain significance (1 of 4 stars; one submission).

Submission:

CeGaT Center for Human Genetics Tuebingen
Classification: Uncertain significance. Last evaluated: 2024-12-01. Review status: criteria provided, single submitter. Criteria: CeGaT Center For Human Genetics Tuebingen Variant Classification Criteria Version 2. Collection method: clinical testing. Allele origin: germline. Affected: yes. Observed: 1 variant allele.
Comment: FBN1: PM2, PM5

NM_000138.5(FBN1):c.3269C>T (p.Pro1090Leu)

Gene: FBN1 (fibrillin 1; minus strand). Cytogenetic location: 15q21.1.
Variant type: single nucleotide variant.
Coding change: c.3269C>T on transcript NM_000138.5 (MANE Select); coding-DNA position 3269, C replaced by T.
Protein change: p.Pro1090Leu; replaces proline 1090 with leucine.
Molecular consequence: missense variant.
Genome position (GRCh38, 1-based): chr15:48,488,181, G>A on the plus strand (C>T on the coding strand, the complement: FBN1 is on the minus strand). VCF-style: chr15-48488181-G-A. GRCh37 (hg19) VCF-style: chr15-48780378-G-A.
Other names: c.3269C>T, p.Pro1090Leu (NM_001406716.1); short protein forms P1090L.
Identifiers: ClinVar variation 3772196 (VCV003772196.13).
Genomic context (GRCh38, chr15:48,488,181, plus strand): 5'-TTCTTCATCATCATGAATCCACTTTCATAGCCTTCGTCACACTTGCATTCAAAGTCCCCA[G>A]GGGTGTTCACACACTGGCCTCTGCCACAGAGGTCAGGAGATATGCGGCATTCGTCAATGT-3'
Protein context (NP_000129.3, residues 1080-1100): LCGRGQCVNT[Pro1090Leu]GDFECKCDEG